The following is an entry in ClinVar:

ClinVar aggregate classification (germline): Pathogenic (1 of 4 stars; one submission).

Conditions:
Tuberous sclerosis 2 (TSC2). Identifiers: Orphanet 805, MedGen C1860707, MONDO:0013199, OMIM 613254.

Submission:

Labcorp Genetics (formerly Invitae), Labcorp
Classification: Pathogenic for Tuberous sclerosis 2. Last evaluated: 2020-02-26. Review status: criteria provided, single submitter. Criteria: Invitae Variant Classification Sherloc (09022015). Collection method: clinical testing. Allele origin: germline.
Comment: For these reasons, this variant has been classified as Pathogenic. Loss-of-function variants in TSC2 are known to be pathogenic (PMID: 10205261, 17304050). This variant has not been reported in the literature in individuals with a TSC2-related disease. This variant is an out-of-frame deletion of the genomic region encompassing exons 7-22 of the TSC2 gene. This is expected to create a premature translational stop signal and result in an absent or disrupted protein product.

Literature cited by the submitters: PubMed 10205261; PubMed 17304050.

NC_000016.10:g.(?_2056176)_(2074415_?)del

Gene: TSC2 (TSC complex subunit 2; plus strand). Cytogenetic location: 16p13.3.
Variant type: Deletion.
Identifiers: ClinVar variation 536119 (VCV000536119.5).